The following is an entry in ClinVar:

NM_016373.4(WWOX):c.161G>A (p.Arg54Gln)

Gene: WWOX (WW domain containing oxidoreductase; plus strand). Cytogenetic location: 16q23.1.
Variant type: single nucleotide variant.
Coding change: c.161G>A on transcript NM_016373.4 (MANE Select); coding-DNA position 161, G replaced by A.
Protein change: p.Arg54Gln; replaces arginine 54 with glutamine.
Molecular consequence: missense variant. On other transcripts: non-coding transcript variant (1), intron variant (1).
Genome position (GRCh38, 1-based): chr16:78,108,476, G>A. VCF-style: chr16-78108476-G-A. GRCh37 (hg19) VCF-style: chr16-78142373-G-A.
Other names: c.161G>A, p.Arg54Gln (NM_130791.5); c.-167-1302G>A (NM_001291997.2); short protein forms R54Q.
Identifiers: ClinVar variation 1326639 (VCV001326639.2), dbSNP rs543154053, ClinGen allele CA284516152.

ClinVar aggregate classification (germline): Uncertain significance (1 of 4 stars; one submission).

Allele frequency attached by ClinVar (database versions not stated): gnomAD 0.00001; 1000 Genomes Project 30x 0.00016; 1000 Genomes Project 0.00020.
gnomAD v4.1: 3 of 1,613,654 alleles (0.00019%); highest among the groups gnomAD compares: African/African-American, 0.0027%; no homozygotes.

Submission:

GeneDx
Classification: Uncertain significance. Last evaluated: 2021-11-19. Review status: criteria provided, single submitter. Criteria: GeneDx Variant Classification Process June 2021. Collection method: clinical testing. Allele origin: germline. Affected: yes.
Comment: Not observed at significant frequency in large population cohorts (Lek et al., 2016); In silico analysis supports that this missense variant does not alter protein structure/function; Has not been previously published as pathogenic or benign to our knowledge; This variant is associated with the following publications: (PMID: 25411445)